The following is an entry in ClinVar:

NM_001166114.2(PNPLA6):c.2921G>T (p.Gly974Val)

Gene: PNPLA6 (patatin like domain 6, lysophospholipase; plus strand). Cytogenetic location: 19p13.2.
Variant type: single nucleotide variant.
Coding change: c.2921G>T on transcript NM_001166114.2 (MANE Select); coding-DNA position 2921, G replaced by T.
Protein change: p.Gly974Val; replaces glycine 974 with valine.
Molecular consequence: missense variant.
Genome position (GRCh38, 1-based): chr19:7,555,352, G>T. VCF-style: chr19-7555352-G-T. GRCh37 (hg19) VCF-style: chr19-7620238-G-T.
Other names: c.2951G>T, p.Gly984Val (NM_001166111.2); c.2726G>T, p.Gly909Val (NM_001166112.2); c.2807G>T, p.Gly936Val (NM_001166113.1, NM_006702.5); short protein forms G909V, G936V, G974V, G984V.
Identifiers: ClinVar variation 938529 (VCV000938529.9), dbSNP rs2023829631, ClinGen allele CA403130941.

ClinVar aggregate classification (germline): Uncertain significance (1 of 4 stars; one submission).

Conditions:
Hereditary spastic paraplegia 39 (SPG39). Also called: Spastic Paraplegia Type 39 (SPG39); SPASTIC PARAPLEGIA 39, AUTOSOMAL RECESSIVE. Identifiers: Orphanet 139480, MedGen C2677586, MONDO:0012787, OMIM 612020.

Submission:

Labcorp Genetics (formerly Invitae), Labcorp
Classification: Uncertain significance for Hereditary spastic paraplegia 39. Last evaluated: 2020-02-22. Review status: criteria provided, single submitter. Criteria: Invitae Variant Classification Sherloc (09022015). Collection method: clinical testing. Allele origin: germline.
Comment: Algorithms developed to predict the effect of missense changes on protein structure and function are either unavailable or do not agree on the potential impact of this missense change (SIFT: "Deleterious"; PolyPhen-2: "Probably Damaging"; Align-GVGD: "Class C0"). In summary, the available evidence is currently insufficient to determine the role of this variant in disease. Therefore, it has been classified as a Variant of Uncertain Significance. This variant has not been reported in the literature in individuals with PNPLA6-related conditions. This variant is not present in population databases (ExAC no frequency). This sequence change replaces glycine with valine at codon 936 of the PNPLA6 protein (p.Gly936Val). The glycine residue is highly conserved and there is a moderate physicochemical difference between glycine and valine.